The following is an entry in ClinVar:

ClinVar aggregate classification (germline): Uncertain significance (1 of 4 stars; one submission).

Conditions:
Autosomal dominant hypocalcemia 1 (HYPOC1). Also called: HYPOCALCEMIA, FAMILIAL. Identifiers: MedGen C3715128, MONDO:0011013, OMIM 601198.
Familial hypocalciuric hypercalcemia (FHH). Also called: Familial benign hypercalcemia. Identifiers: Orphanet 405, MedGen C1809471, MONDO:0018458.

Submission:

Labcorp Genetics (formerly Invitae), Labcorp
Classification: Uncertain significance for Familial hypocalciuric hypercalcemia; Autosomal dominant hypocalcemia 1. Last evaluated: 2021-06-05. Review status: criteria provided, single submitter. Criteria: Invitae Variant Classification Sherloc (09022015). Collection method: clinical testing. Allele origin: germline.
Comment: In summary, the available evidence is currently insufficient to determine the role of this variant in disease. Therefore, it has been classified as a Variant of Uncertain Significance. Experimental studies have shown that this variant affects CASR protein function (PMID: 30052933). This variant has been observed in individual(s) with autosomal dominant hypocalcemia (PMID: 30052933). This variant is not present in population databases (ExAC no frequency). This sequence change replaces asparagine with tyrosine at codon 178 of the CASR protein (p.Asn178Tyr). The asparagine residue is highly conserved and there is a large physicochemical difference between asparagine and tyrosine.

Literature cited by the submitters: PubMed 30052933.

NM_000388.4(CASR):c.532A>T (p.Asn178Tyr)

Gene: CASR (calcium sensing receptor; plus strand). Cytogenetic location: 3q21.1.
Variant type: single nucleotide variant.
Coding change: c.532A>T on transcript NM_000388.4 (MANE Select); coding-DNA position 532, A replaced by T.
Protein change: p.Asn178Tyr; replaces asparagine 178 with tyrosine.
Molecular consequence: missense variant.
Genome position (GRCh38, 1-based): chr3:122,261,567, A>T. VCF-style: chr3-122261567-A-T. GRCh37 (hg19) VCF-style: chr3-121980414-A-T.
Other names: c.532A>T, p.Asn178Tyr (NM_001178065.2); short protein forms N178Y.
Identifiers: ClinVar variation 1496432 (VCV001496432.8), dbSNP rs1060502855, ClinGen allele CA354150789.